The following is an entry in ClinVar:

NM_000751.3(CHRND):c.820+3G>C

Gene: CHRND (cholinergic receptor nicotinic delta subunit; plus strand). Cytogenetic location: 2q37.1.
Variant type: single nucleotide variant.
Coding change: c.820+3G>C on transcript NM_000751.3 (MANE Select); 3 bases into the intron after coding-DNA position 820, G replaced by C.
Molecular consequence: intron variant.
Genome position (GRCh38, 1-based): chr2:232,530,142, G>C. VCF-style: chr2-232530142-G-C. GRCh37 (hg19) VCF-style: chr2-233394852-G-C.
Other names: c.239-1210G>C (NM_001311195.2); c.517+3G>C (NM_001311196.2); c.775+3G>C (NM_001256657.2).
Identifiers: ClinVar variation 4727874 (VCV004727874.1).

ClinVar aggregate classification (germline): Uncertain significance (1 of 4 stars; one submission).

Conditions:
Lethal multiple pterygium syndrome (LMPS). Identifiers: Orphanet 33108, MedGen C1854678, MONDO:0009668, OMIM 253290.

Submission:

Labcorp Genetics (formerly Invitae), Labcorp
Classification: Uncertain significance for Lethal multiple pterygium syndrome. Last evaluated: 2025-09-30. Review status: criteria provided, single submitter. Criteria: Invitae Variant Classification Sherloc (09022015). Collection method: clinical testing. Allele origin: germline.
Comment: This sequence change falls in intron 7 of the CHRND gene. It does not directly change the encoded amino acid sequence of the CHRND protein. It affects a nucleotide within the consensus splice site. This variant is not present in population databases (gnomAD no frequency). This variant has not been reported in the literature in individuals affected with CHRND-related conditions. Variants that disrupt the consensus splice site are a relatively common cause of aberrant splicing (PMID: 17576681, 9536098). Algorithms developed to predict the effect of sequence changes on RNA splicing suggest that this variant may disrupt the consensus splice site. In summary, the available evidence is currently insufficient to determine the role of this variant in disease. Therefore, it has been classified as a Variant of Uncertain Significance.

Literature cited by the submitters: PubMed 17576681; PubMed 9536098.